The following is an entry in ClinVar:

ClinVar aggregate classification (germline): Uncertain significance. Review status: criteria provided, multiple submitters, no conflicts (2 of 4 stars). 2 submissions from 2 submitters: Uncertain significance (2). Last evaluated 2024-02-24.

Conditions:
Severe combined immunodeficiency due to DCLRE1C deficiency (RS-SCID). Also called: SCID, AUTOSOMAL RECESSIVE, T CELL-NEGATIVE, B CELL-NEGATIVE, NK CELL-POSITIVE, WITH SENSITIVITY TO IONIZING RADIATION. Identifiers: Orphanet 275, MedGen C1865371, MONDO:0011225, OMIM 602450.
Inborn genetic diseases. Identifiers: MedGen C0950123, MeSH D030342.

Allele frequency attached by ClinVar (database versions not stated): gnomAD exomes below 0.00001.
gnomAD v4.1: 1 of 1,614,188 alleles (0.000062%); highest among the groups gnomAD compares: Non-Finnish European, 0.000085%; no homozygotes.

Submissions (2):

Labcorp Genetics (formerly Invitae), Labcorp
Classification: Uncertain significance for Athabaskan severe combined immunodeficiency. Last evaluated: 2024-02-24. Review status: criteria provided, single submitter. Criteria: Invitae Variant Classification Sherloc (09022015). Collection method: clinical testing. Allele origin: germline.
Comment: This sequence change replaces asparagine, which is neutral and polar, with lysine, which is basic and polar, at codon 448 of the DCLRE1C protein (p.Asn448Lys). This variant is not present in population databases (gnomAD no frequency). This variant has not been reported in the literature in individuals affected with DCLRE1C-related conditions. ClinVar contains an entry for this variant (Variation ID: 660303). Advanced modeling of protein sequence and biophysical properties (such as structural, functional, and spatial information, amino acid conservation, physicochemical variation, residue mobility, and thermodynamic stability) performed at Invitae indicates that this missense variant is not expected to disrupt DCLRE1C protein function with a negative predictive value of 80%. In summary, the available evidence is currently insufficient to determine the role of this variant in disease. Therefore, it has been classified as a Variant of Uncertain Significance.

Ambry Genetics
Classification: Uncertain significance for Inborn genetic diseases. Last evaluated: 2023-11-17. Review status: criteria provided, single submitter. Criteria: Ambry Variant Classification Scheme 2023. Collection method: clinical testing. Allele origin: germline.

NM_001033855.3(DCLRE1C):c.1344C>G (p.Asn448Lys)

Gene: DCLRE1C (DNA cross-link repair 1C; minus strand). Cytogenetic location: 10p13.
Variant type: single nucleotide variant.
Coding change: c.1344C>G on transcript NM_001033855.3 (MANE Select); coding-DNA position 1344, C replaced by G.
Protein change: p.Asn448Lys; replaces asparagine 448 with lysine.
Molecular consequence: missense variant. On other transcripts: non-coding transcript variant (4).
Genome position (GRCh38, 1-based): chr10:14,909,143, G>C on the plus strand (C>G on the coding strand, the complement: DCLRE1C is on the minus strand). VCF-style: chr10-14909143-G-C. GRCh37 (hg19) VCF-style: chr10-14951142-G-C.
Other names: c.984C>G, p.Asn328Lys (NM_001033857.3, NM_001033858.3, NM_001289077.2 and 2 more transcripts); c.999C>G, p.Asn333Lys (NM_001289076.2, NM_001289078.2, NM_001350966.2 and 1 more transcripts); c.1344C>G, p.Asn448Lys (NM_001350965.2); c.1344C>G (NM_001033855.1); short protein forms N333K, N328K, N448K.
Identifiers: ClinVar variation 660303 (VCV000660303.9), dbSNP rs769948633, ClinGen allele CA376075898.